The following is an entry in ClinVar:

ClinVar aggregate classification (germline): Conflicting classifications of pathogenicity. Review status: criteria provided, conflicting classifications (1 of 4 stars). 2 submissions from 2 submitters: Uncertain significance (1); Likely benign (1). Last evaluated 2025-09-10.

Conditions:
Inborn genetic diseases. Identifiers: MedGen C0950123, MeSH D030342.

Allele frequency attached by ClinVar (database versions not stated): gnomAD exomes 0.00002 and 0.00005; ExAC 0.00004; gnomAD 0.00011 and 0.00013; TOPMed 0.00013; 1000 Genomes Project 30x 0.00047; 1000 Genomes Project 0.00060.

Submissions (2):

Ambry Genetics
Classification: Likely benign for Inborn genetic diseases. Last evaluated: 2025-09-10. Review status: criteria provided, single submitter. Criteria: Ambry Variant Classification Scheme 2023. Collection method: clinical testing. Allele origin: germline.

Labcorp Genetics (formerly Invitae), Labcorp
Classification: Uncertain significance. Last evaluated: 2021-08-14. Review status: criteria provided, single submitter. Criteria: Invitae Variant Classification Sherloc (09022015). Collection method: clinical testing. Allele origin: germline.
Comment: This sequence change replaces alanine with threonine at codon 482 of the TCF12 protein (p.Ala482Thr). The alanine residue is weakly conserved and there is a small physicochemical difference between alanine and threonine. This variant is present in population databases (rs143889768, ExAC 0.04%). This variant has not been reported in the literature in individuals affected with TCF12-related conditions. Algorithms developed to predict the effect of missense changes on protein structure and function output the following: SIFT: "Tolerated"; PolyPhen-2: "Benign"; Align-GVGD: "Class C0". The threonine amino acid residue is found in multiple mammalian species, which suggests that this missense change does not adversely affect protein function. In summary, the available evidence is currently insufficient to determine the role of this variant in disease. Therefore, it has been classified as a Variant of Uncertain Significance.

NM_207037.2(TCF12):c.1444G>A (p.Ala482Thr)

Gene: TCF12 (transcription factor 12; plus strand). Cytogenetic location: 15q21.3.
Variant type: single nucleotide variant.
Coding change: c.1444G>A on transcript NM_207037.2 (MANE Select); coding-DNA position 1444, G replaced by A.
Protein change: p.Ala482Thr; replaces alanine 482 with threonine.
Molecular consequence: missense variant.
Genome position (GRCh38, 1-based): chr15:57,253,445, G>A. VCF-style: chr15-57253445-G-A. GRCh37 (hg19) VCF-style: chr15-57545643-G-A.
Other names: c.1444G>A (NM_207037.1); c.934G>A, p.Ala312Thr (NM_001306219.3); c.664G>A, p.Ala222Thr (NM_001306220.3); c.1444G>A, p.Ala482Thr (NM_001322151.2, NM_001322152.2, NM_001322159.3 and 2 more transcripts); c.787G>A, p.Ala263Thr (NM_001322154.2); c.1270G>A, p.Ala424Thr (NM_001322156.2); c.1372G>A, p.Ala458Thr (NM_001322157.3, NM_001322165.2, NM_003205.4 and 1 more transcripts); c.1198G>A, p.Ala400Thr (NM_001322158.2); and 3 more; short protein forms A458T, A482T, A312T, A222T, A470T, A263T, A288T, A400T.
Identifiers: ClinVar variation 1427723 (VCV001427723.6), dbSNP rs143889768, ClinGen allele CA7581255.